The following is an entry in ClinVar:

NM_021098.3(CACNA1H):c.6578C>G (p.Ser2193Trp)

Gene: CACNA1H (calcium voltage-gated channel subunit alpha1 H; plus strand). Cytogenetic location: 16p13.3.
Variant type: single nucleotide variant.
Coding change: c.6578C>G on transcript NM_021098.3 (MANE Select); coding-DNA position 6578, C replaced by G.
Protein change: p.Ser2193Trp; replaces serine 2193 with tryptophan.
Molecular consequence: missense variant.
Genome position (GRCh38, 1-based): chr16:1,220,510, C>G. VCF-style: chr16-1220510-C-G. GRCh37 (hg19) VCF-style: chr16-1270510-C-G.
Other names: c.6560C>G, p.Ser2187Trp (NM_001005407.2); short protein forms S2187W, S2193W.
Identifiers: ClinVar variation 2572893 (VCV002572893.1), dbSNP rs748432349, ClinGen allele CA394150000.

ClinVar aggregate classification (germline): Uncertain significance (1 of 4 stars; one submission).

Submission:

GeneDx
Classification: Uncertain significance. Last evaluated: 2023-01-16. Review status: criteria provided, single submitter. Criteria: GeneDx Variant Classification Process June 2021. Collection method: clinical testing. Allele origin: germline. Affected: yes.
Comment: Not observed at significant frequency in large population cohorts (gnomAD); In silico analysis supports that this missense variant has a deleterious effect on protein structure/function; Has not been previously published as pathogenic or benign to our knowledge